The following is an entry in ClinVar:

NM_006080.3(SEMA3A):c.1744G>A (p.Glu582Lys)

Gene: SEMA3A (semaphorin 3A; minus strand). Cytogenetic location: 7q21.11.
Variant type: single nucleotide variant.
Coding change: c.1744G>A on transcript NM_006080.3 (MANE Select); coding-DNA position 1744, G replaced by A.
Protein change: p.Glu582Lys; replaces glutamic acid 582 with lysine.
Molecular consequence: missense variant.
Genome position (GRCh38, 1-based): chr7:83,963,321, C>T on the plus strand (G>A on the coding strand, the complement: SEMA3A is on the minus strand). VCF-style: chr7-83963321-C-T. GRCh37 (hg19) VCF-style: chr7-83592637-C-T.
Other names: short protein forms E582K.
Identifiers: ClinVar variation 2636039 (VCV002636039.3), dbSNP rs752428221, ClinGen allele CA4322624.
Genomic context (GRCh38, chr7:83,963,321, plus strand): 5'-GCGACTTCGGACTGCATTCCAAAAATGTGCTACTATTCTCTACACCATAGATGATTCTCT[C>T]TTCAGGGCTGTGGCCATGGTGATTATCTGGCCAGTGATGAGAAAATGCAATGAGAAAATA-3'
Protein context (NP_006071.1, residues 572-592): HDNHHGHSPE[Glu582Lys]RIIYGVENSS

ClinVar aggregate classification (germline): Uncertain significance. Review status: criteria provided, multiple submitters, no conflicts (2 of 4 stars). 2 submissions from 2 submitters: Uncertain significance (2). Last evaluated 2025-12-11.

Conditions:
SEMA3A-related disorder. Also called: SEMA3A-related condition.
Inborn genetic diseases. Identifiers: MedGen C0950123, MeSH D030342.

Allele frequency attached by ClinVar (database versions not stated): gnomAD exomes below 0.00001; ExAC 0.00001; gnomAD 0.00001; TOPMed 0.00001.
gnomAD v4.1: 8 of 1,613,558 alleles (0.0005%); highest among the groups gnomAD compares: Admixed American, 0.01%; no homozygotes.

Submissions (2):

Ambry Genetics
Classification: Uncertain significance for Inborn genetic diseases. Last evaluated: 2025-12-11. Review status: criteria provided, single submitter. Criteria: Ambry Variant Classification Scheme 2023. Collection method: clinical testing. Allele origin: germline.

PreventionGenetics, part of Exact Sciences
Classification: Uncertain significance for SEMA3A-related condition. Last evaluated: 2025-10-30. Review status: criteria provided, single submitter. Criteria: ACMG Guidelines, 2015. Collection method: clinical testing. Allele origin: germline.
Comment: The SEMA3A c.1744G>A variant is predicted to result in the amino acid substitution p.Glu582Lys. To our knowledge, this variant has not been reported in the literature. This variant is reported in 0.014% of alleles in individuals of Latino descent in gnomAD. Although we suspect that this variant may be benign, at this time, the clinical significance of this variant is uncertain due to the absence of conclusive functional and genetic evidence.